The following is an entry in ClinVar:

NC_000012.12:g.120291912T>G

Genes: RNU4-2 (RNA, U4 small nuclear 2; minus strand), SIRT4 (sirtuin 4; plus strand). Cytogenetic location: 12q24.23.
Variant type: single nucleotide variant.
Genome position: GRCh38 VCF-style: chr12-120291912-T-G. GRCh37 (hg19) VCF-style: chr12-120729715-T-G.
Identifiers: ClinVar variation 3771972 (VCV003771972.13).

ClinVar aggregate classification (germline): Likely benign (1 of 4 stars; one submission).

Submission:

CeGaT Center for Human Genetics Tuebingen
Classification: Likely benign. Last evaluated: 2026-09-01. Review status: criteria provided, single submitter. Criteria: CeGaT Center For Human Genetics Tuebingen Variant Classification Criteria Version 2. Collection method: clinical testing. Allele origin: germline. Affected: yes. Observed: 3 variant alleles.
Comment: RNU4-2: BS1